The following is an entry in ClinVar:

ClinVar aggregate classification (germline): Pathogenic (1 of 4 stars; one submission).

Submission:

Labcorp Genetics (formerly Invitae), Labcorp
Classification: Pathogenic. Last evaluated: 2024-05-06. Review status: criteria provided, single submitter. Criteria: Invitae Variant Classification Sherloc (09022015). Collection method: clinical testing. Allele origin: germline.
Comment: This sequence change creates a premature translational stop signal (p.Ile610Asnfs*3) in the CEP135 gene. It is expected to result in an absent or disrupted protein product. Loss-of-function variants in CEP135 are known to be pathogenic (PMID: 22521416, 26657937). This variant is not present in population databases (gnomAD no frequency). This variant has not been reported in the literature in individuals affected with CEP135-related conditions. For these reasons, this variant has been classified as Pathogenic.

Literature cited by the submitters: PubMed 22521416; PubMed 26657937.

NM_025009.5(CEP135):c.1827_1830del (p.Ile610fs)

Gene: CEP135 (centrosomal protein 135; plus strand). Cytogenetic location: 4q12.
Variant type: Deletion.
Coding change: c.1827_1830del on transcript NM_025009.5 (MANE Select); coding-DNA positions 1827 to 1830, 4 bases deleted (TATT; older notation c.1827_1830delTATT).
Protein change: p.Ile610fs; shifts the reading frame from isoleucine 610.
Molecular consequence: frameshift variant.
Genome position (GRCh38, 1-based): chr4:55,985,328-55,985,331, TATT deleted. VCF-style (leftmost placement, unchanged base first): chr4-55985327-CTATT-C. GRCh37 (hg19) VCF-style: chr4-56851493-CTATT-C.
Other names: short protein forms I610fs.
Identifiers: ClinVar variation 2983387 (VCV002983387.3), dbSNP rs2475319276, ClinGen allele CA2740091289.